The following is an entry in ClinVar:

NM_000798.5(DRD5):c.*47T>C

Genes: DRD5 (dopamine receptor D5; plus strand), SLC2A9 (solute carrier family 2 member 9; minus strand). Cytogenetic location: 4p16.1.
Variant type: single nucleotide variant.
Coding change: c.*47T>C on transcript NM_000798.5 (MANE Select); 47 bases downstream of the stop codon, T replaced by C.
Molecular consequence: 3 prime UTR variant.
Genome position (GRCh38, 1-based): chr4:9,783,510, T>C. VCF-style: chr4-9783510-T-C. GRCh37 (hg19) VCF-style: chr4-9785134-T-C.
Identifiers: ClinVar variation 1287057 (VCV001287057.3), dbSNP rs1967551, ClinGen allele CA2856793.

ClinVar aggregate classification (germline): Conflicting classifications of pathogenicity. Review status: criteria provided, conflicting classifications (1 of 4 stars). 3 submissions from 3 submitters: Uncertain significance (1); Benign (2). Last evaluated 2021-06-18.

Conditions:
Hereditary attention deficit-hyperactivity disorder. Also called: HYPERACTIVITY OF CHILDHOOD. Identifiers: MedGen CN324066, MONDO:0100518, OMIM 143465.

Allele frequency attached by ClinVar (database versions not stated): 1000 Genomes Project 0.42552; 1000 Genomes Project 30x 0.43161; TOPMed 0.53740; gnomAD 0.54615 and 0.55016; gnomAD exomes 0.56438 and 0.61596; ESP Exome Variant Server 0.56886; ExAC 0.57086.
gnomAD v4.1: 927,336 of 1,525,428 alleles (61%); highest among the groups gnomAD compares: Non-Finnish European, 64%; 287,370 homozygotes.

Submissions (3):

GeneDx
Classification: Benign. Last evaluated: 2021-06-18. Review status: criteria provided, single submitter. Criteria: GeneDx Variant Classification Process June 2021. Collection method: clinical testing. Allele origin: germline. Affected: yes.

Breakthrough Genomics
Classification: Benign. Review status: criteria provided, single submitter. Criteria: ACMG Guidelines, 2015. Collection method: not provided. Allele origin: germline. Inheritance: Autosomal dominant inheritance. Affected: yes.

Clinical Genomics, Uppaluri K&H Personalized Medicine Clinic
Classification: Uncertain significance for Hereditary attention deficit-hyperactivity disorder. Review status: criteria provided, single submitter. Criteria: K &amp; H Uppaluri Personalized Medicine Clinic Variant Classification &amp; Assertion Criteria_Updated V.1. Collection method: clinical testing. Allele origin: germline. Inheritance: Autosomal dominant inheritance. Affected: yes. Observed: 1 heterozygote.
Comment: A few studies show an association between dopamine(5) receptor uptake gene and ADHD. Howevr, more clinical studies are needed for a stronger correlation of this particular rs1967551 with Attention deficit hyperactivity disorder.

Literature cited by the submitters: PubMed 18081165 (cited by Clinical Genomics, Uppaluri K&H Personalized Medicine Clinic); PubMed 27480019 (cited by Clinical Genomics, Uppaluri K&H Personalized Medicine Clinic); PubMed 14732906 (cited by Clinical Genomics, Uppaluri K&H Personalized Medicine Clinic); PubMed 10208453 (cited by Clinical Genomics, Uppaluri K&H Personalized Medicine Clinic).